The following is an entry in ClinVar:

ClinVar aggregate classification (germline): Likely benign (1 of 4 stars; one submission).

Conditions:
NR1H4-related disorder. Also called: NR1H4-related condition.

gnomAD v4.1: 10 of 1,614,154 alleles (0.00062%); highest among the groups gnomAD compares: Non-Finnish European, 0.00085%; no homozygotes.

Submission:

PreventionGenetics, part of Exact Sciences
Classification: Likely benign for NR1H4-related condition. Last evaluated: 2026-03-24. Review status: criteria provided, single submitter. Criteria: ACMG Guidelines, 2015. Collection method: clinical testing. Allele origin: germline.
Comment: This variant is classified as likely benign based on ACMG/AMP sequence variant interpretation guidelines (Richards et al. 2015 PMID: 25741868, with internal and published modifications).

NM_001206979.2(NR1H4):c.399A>G (p.Arg133=)

Gene: NR1H4 (nuclear receptor subfamily 1 group H member 4; plus strand). Cytogenetic location: 12q23.1.
Variant type: single nucleotide variant.
Coding change: c.399A>G on transcript NM_001206979.2 (MANE Select); coding-DNA position 399, A replaced by G.
Protein change: p.Arg133=; no amino-acid change (arginine 133 retained).
Molecular consequence: synonymous variant. On other transcripts: non-coding transcript variant (1).
Genome position (GRCh38, 1-based): chr12:100,511,097, A>G. VCF-style: chr12-100511097-A-G. GRCh37 (hg19) VCF-style: chr12-100904875-A-G.
Other names: c.399A>G, p.Arg133= (NM_001206977.2, NM_001206978.2, NM_005123.4); c.429A>G, p.Arg143= (NM_001206992.2, NM_001206993.2).
Identifiers: ClinVar variation 5000677 (VCV005000677.1).